The following is an entry in ClinVar:

ClinVar aggregate classification (germline): Uncertain significance (1 of 4 stars; one submission).

Conditions:
Arrhythmogenic right ventricular dysplasia 5. Also called: Arrhythmogenic Right Ventricular Dysplasia/Cardiomyopathy 5; ARRHYTHMOGENIC RIGHT VENTRICULAR DYSPLASIA, FAMILIAL, 5. Identifiers: MedGen C1858379, MONDO:0011459, OMIM 604400.

Submission:

All of Us Research Program, National Institutes of Health
Classification: Uncertain significance for Arrhythmogenic right ventricular dysplasia 5. Last evaluated: 2024-03-24. Review status: criteria provided, single submitter. Criteria: ACMG Guidelines, 2015. Collection method: clinical testing. Allele origin: germline. Inheritance: Autosomal dominant inheritance. Observed: 1 variant allele, 1 heterozygote.
Comment: This missense variant replaces methionine with threonine at codon 321 of the TMEM43 protein. Computational prediction suggests that this variant may not impact protein structure and function (internally defined REVEL score threshold <= 0.5, PMID: 27666373). To our knowledge, functional studies have not been reported for this variant. This variant has not been reported in individuals affected with TMEM43-related disorders in the literature. This variant has not been identified in the general population by the Genome Aggregation Database (gnomAD). The available evidence is insufficient to determine the role of this variant in disease conclusively. Therefore, this variant is classified as a Variant of Uncertain Significance.

This study involves interpretation of variants in research participants for the purpose of population health screening. Participant phenotype was not available at the time of variant classification. Additional details can be found in publication PMID: 35346344, PMCID: PMC8962531

NM_024334.3(TMEM43):c.962T>C (p.Met321Thr)

Gene: TMEM43 (transmembrane protein 43; plus strand). Cytogenetic location: 3p25.1.
Variant type: single nucleotide variant.
Coding change: c.962T>C on transcript NM_024334.3 (MANE Select); coding-DNA position 962, T replaced by C.
Protein change: p.Met321Thr; replaces methionine 321 with threonine.
Molecular consequence: missense variant.
Genome position (GRCh38, 1-based): chr3:14,139,259, T>C. VCF-style: chr3-14139259-T-C. GRCh37 (hg19) VCF-style: chr3-14180759-T-C.
Other names: c.965T>C, p.Met322Thr (NM_001407274.1); c.959T>C, p.Met320Thr (NM_001407275.1, NM_001407276.1); c.956T>C, p.Met319Thr (NM_001407277.1); c.947T>C, p.Met316Thr (NM_001407278.1); c.887T>C, p.Met296Thr (NM_001407279.1); c.812T>C, p.Met271Thr (NM_001407280.1); short protein forms M271T, M296T, M316T, M319T, M320T, M321T, M322T.
Identifiers: ClinVar variation 3386087 (VCV003386087.1).